The following is an entry in ClinVar:

NM_000051.4(ATM):c.940A>G (p.Asn314Asp)

Gene: ATM (ATM serine/threonine kinase; plus strand). Cytogenetic location: 11q22.3.
Variant type: single nucleotide variant.
Coding change: c.940A>G on transcript NM_000051.4 (MANE Select); coding-DNA position 940, A replaced by G.
Protein change: p.Asn314Asp; replaces asparagine 314 with aspartic acid.
Molecular consequence: missense variant.
Genome position (GRCh38, 1-based): chr11:108,247,002, A>G. VCF-style: chr11-108247002-A-G. GRCh37 (hg19) VCF-style: chr11-108117729-A-G.
Other names: c.940A>G, p.Asn314Asp (NM_001351834.2); short protein forms N314D.
Identifiers: ClinVar variation 4747166 (VCV004747166.1).

ClinVar aggregate classification (germline): Uncertain significance (1 of 4 stars; one submission).

Conditions:
Ataxia-telangiectasia syndrome (AT). Also called: Ataxia-telangiectasia, complementation group D; AT, COMPLEMENTATION GROUP C; Ataxia-telangiectasia; Ataxia telangiectasia (A-T); LOUIS-BAR SYNDROME; Cerebello-oculocutaneous telangiectasia. Identifiers: Orphanet 100, MedGen C0004135, MONDO:0008840, OMIM 208900.

Submission:

Labcorp Genetics (formerly Invitae), Labcorp
Classification: Uncertain significance for Ataxia-telangiectasia syndrome. Last evaluated: 2025-05-25. Review status: criteria provided, single submitter. Criteria: Invitae Variant Classification Sherloc (09022015). Collection method: clinical testing. Allele origin: germline.
Comment: This sequence change replaces asparagine, which is neutral and polar, with aspartic acid, which is acidic and polar, at codon 314 of the ATM protein (p.Asn314Asp). This variant is not present in population databases (gnomAD no frequency). This variant has not been reported in the literature in individuals affected with ATM-related conditions. Invitae Evidence Modeling of protein sequence and biophysical properties (such as structural, functional, and spatial information, amino acid conservation, physicochemical variation, residue mobility, and thermodynamic stability) indicates that this missense variant is not expected to disrupt ATM protein function with a negative predictive value of 95%. In summary, the available evidence is currently insufficient to determine the role of this variant in disease. Therefore, it has been classified as a Variant of Uncertain Significance.